The following is an entry in ClinVar:

NM_005188.4(CBL):c.1459A>G (p.Met487Val)

Gene: CBL (Cbl proto-oncogene; plus strand). Cytogenetic location: 11q23.3.
Variant type: single nucleotide variant.
Coding change: c.1459A>G on transcript NM_005188.4 (MANE Select); coding-DNA position 1459, A replaced by G.
Protein change: p.Met487Val; replaces methionine 487 with valine.
Molecular consequence: missense variant.
Genome position (GRCh38, 1-based): chr11:119,284,996, A>G. VCF-style: chr11-119284996-A-G. GRCh37 (hg19) VCF-style: chr11-119155706-A-G.
Other names: p.M487V:ATG>GTG; short protein forms M487V.
Identifiers: ClinVar variation 40412 (VCV000040412.25), dbSNP rs17848896, ClinGen allele CA282028.

ClinVar aggregate classification (germline): Benign/Likely benign. Review status: criteria provided, multiple submitters, no conflicts (2 of 4 stars). 7 submissions from 7 submitters: Benign (3); Likely benign (3). 1 of the submissions does not count toward it. Last evaluated 2025-12-17.

Conditions:
CBL-related disorder. Also called: NOONAN SYNDROME-LIKE DISORDER WITHOUT JUVENILE MYELOMONOCYTIC LEUKEMIA; CBL MUTATION-ASSOCIATED SYNDROME; CBL SYNDROME. Identifiers: Orphanet 363972, MedGen C3150803, MONDO:0013308, OMIM 613563.
Noonan syndrome and Noonan-related syndrome. Identifiers: Orphanet 98733, MedGen C5681679, MONDO:0020297.
RASopathy. Also called: rasopathies; Noonan spectrum disorder. Identifiers: Orphanet 536391, MedGen C5555857, MONDO:0021060.

Allele frequency attached by ClinVar (database versions not stated): gnomAD exomes 0.00006 and 0.00015; ESP Exome Variant Server 0.00008; gnomAD 0.00011 and 0.00012; ExAC 0.00016; TOPMed 0.00021.
gnomAD v4.1: 108 of 1,613,992 alleles (0.0067%); highest among the groups gnomAD compares: East Asian, 0.12%; no homozygotes.

Submissions (7):

Labcorp Genetics (formerly Invitae), Labcorp
Classification: Likely benign for RASopathy. Last evaluated: 2025-12-17. Review status: criteria provided, single submitter. Criteria: Invitae Variant Classification Sherloc (09022015). Collection method: clinical testing. Allele origin: germline.

Blueprint Genetics
Classification: Likely benign. Last evaluated: 2024-11-06. Review status: criteria provided, single submitter. Criteria: ACMG Guidelines, 2015. Collection method: clinical testing. Allele origin: germline.

GeneDx
Classification: Benign. Last evaluated: 2020-10-15. Review status: criteria provided, single submitter. Criteria: GeneDx Variant Classification Process June 2021. Collection method: clinical testing. Allele origin: germline. Affected: yes.

Women's Health and Genetics/Laboratory Corporation of America, LabCorp
Classification: Benign. Last evaluated: 2019-09-30. Review status: criteria provided, single submitter. Criteria: LabCorp Variant Classification Summary - May 2015. Collection method: clinical testing. Allele origin: germline.
Comment: Variant summary: CBL c.1459A>G (p.Met487Val) results in a conservative amino acid change in the encoded protein sequence. Five of five in-silico tools predict a benign effect of the variant on protein function. The variant allele was found at a frequency of 0.00015 in 251474 control chromosomes, predominantly at a frequency of 0.0017 within the East Asian subpopulation in the gnomAD database. The observed variant frequency within East Asian control individuals in the gnomAD database is approximately 680 fold of the estimated maximal expected allele frequency for a pathogenic variant in CBL causing Noonan Syndrome and Related Conditions phenotype (2.5e-06), strongly suggesting that the variant is a benign polymorphism found primarily in populations of East Asian origin. To our knowledge, no occurrence of c.1459A>G in individuals affected with Noonan Syndrome and Related Conditions and no experimental evidence demonstrating its impact on protein function have been reported. A ClinVar submission (evaluation after 2014) cites the variant as likely benign. Based on the evidence outlined above, the variant was classified as benign.

Genome Diagnostics Laboratory, The Hospital for Sick Children
Classification: Likely benign for Noonan syndrome and Noonan-related syndrome. Last evaluated: 2018-02-01. Review status: criteria provided, single submitter. Criteria: ACMG Guidelines, 2015. Collection method: clinical testing. Allele origin: germline.

Illumina Laboratory Services, Illumina
Classification: Benign for CBL-related disorder. Last evaluated: 2018-01-13. Review status: criteria provided, single submitter. Criteria: ICSL Variant Classification Criteria 13 December 2019. Collection method: clinical testing. Allele origin: germline.
Comment: This variant was observed in the ICSL laboratory as part of a predisposition screen in an ostensibly healthy population. It had not been previously curated by ICSL or reported in the Human Gene Mutation Database (HGMD: prior to June 1st, 2018), and was therefore a candidate for classification through an automated scoring system. Utilizing variant allele frequency, disease prevalence and penetrance estimates, and inheritance mode, an automated score was calculated to assess if this variant is too frequent to cause the disease. Based on the score and internal cut-off values, a variant classified as benign is not then subjected to further curation. The score for this variant resulted in a classification of benign for this disease.

PreventionGenetics, part of Exact Sciences
Classification: Likely benign for CBL-related condition. Last evaluated: 2024-05-22. Review status: no assertion criteria provided. Collection method: clinical testing. Allele origin: germline. Not counted in ClinVar's aggregate classification.
Comment: This variant is classified as likely benign based on ACMG/AMP sequence variant interpretation guidelines (Richards et al. 2015 PMID: 25741868, with internal and published modifications).

Literature cited by the submitters: PubMed 25224413 (cited by Women's Health and Genetics/Laboratory Corporation of America, LabCorp); PubMed 21828135 (cited by Women's Health and Genetics/Laboratory Corporation of America, LabCorp); PubMed 23690417 (cited by Women's Health and Genetics/Laboratory Corporation of America, LabCorp); PubMed 19387008 (cited by Women's Health and Genetics/Laboratory Corporation of America, LabCorp); PubMed 19901108 (cited by Women's Health and Genetics/Laboratory Corporation of America, LabCorp); PubMed 20951944 (cited by Women's Health and Genetics/Laboratory Corporation of America, LabCorp); PubMed 19620960 (cited by Women's Health and Genetics/Laboratory Corporation of America, LabCorp); PubMed 22733026 (cited by Women's Health and Genetics/Laboratory Corporation of America, LabCorp); PubMed 29296819 (cited by Women's Health and Genetics/Laboratory Corporation of America, LabCorp); PubMed 27069254 (cited by Women's Health and Genetics/Laboratory Corporation of America, LabCorp).